The following is an entry in ClinVar:

ClinVar aggregate classification (germline): Likely pathogenic. Review status: criteria provided, multiple submitters, no conflicts (2 of 4 stars). 2 submissions from 2 submitters: Likely pathogenic (2). Last evaluated 2025-05-01.

Allele frequency attached by ClinVar (database versions not stated): gnomAD exomes below 0.00001; TOPMed below 0.00001; gnomAD 0.00001.
gnomAD v4.1: 6 of 1,488,740 alleles (0.0004%); highest among the groups gnomAD compares: Non-Finnish European, 0.00054%; no homozygotes.

Submissions (2):

CeGaT Center for Human Genetics Tuebingen
Classification: Likely pathogenic. Last evaluated: 2025-05-01. Review status: criteria provided, single submitter. Criteria: CeGaT Center For Human Genetics Tuebingen Variant Classification Criteria Version 2. Collection method: clinical testing. Allele origin: germline. Affected: yes. Observed: 1 variant allele.
Comment: ADGRV1: PVS1:Strong, PM2

Labcorp Genetics (formerly Invitae), Labcorp
Classification: Likely pathogenic. Last evaluated: 2023-09-22. Review status: criteria provided, single submitter. Criteria: Invitae Variant Classification Sherloc (09022015). Collection method: clinical testing. Allele origin: germline.
Comment: In summary, the currently available evidence indicates that the variant is pathogenic, but additional data are needed to prove that conclusively. Therefore, this variant has been classified as Likely Pathogenic. Algorithms developed to predict the effect of sequence changes on RNA splicing suggest that this variant may disrupt the consensus splice site. ClinVar contains an entry for this variant (Variation ID: 963118). This variant has not been reported in the literature in individuals affected with ADGRV1-related conditions. This variant is not present in population databases (gnomAD no frequency). This sequence change affects an acceptor splice site in intron 55 of the ADGRV1 gene. It is expected to disrupt RNA splicing. Variants that disrupt the donor or acceptor splice site typically lead to a loss of protein function (PMID: 16199547), and loss-of-function variants in ADGRV1 are known to be pathogenic (PMID: 19357117, 22135276, 22147658, 26226137, 30718709, 31047384, 32467589).

Literature cited by the submitters: PubMed 16199547 (cited by Labcorp Genetics (formerly Invitae), Labcorp); PubMed 19357117 (cited by Labcorp Genetics (formerly Invitae), Labcorp); PubMed 22135276 (cited by Labcorp Genetics (formerly Invitae), Labcorp); PubMed 22147658 (cited by Labcorp Genetics (formerly Invitae), Labcorp); PubMed 26226137 (cited by Labcorp Genetics (formerly Invitae), Labcorp); PubMed 30718709 (cited by Labcorp Genetics (formerly Invitae), Labcorp); PubMed 31047384 (cited by Labcorp Genetics (formerly Invitae), Labcorp); PubMed 32467589 (cited by Labcorp Genetics (formerly Invitae), Labcorp).

NM_032119.4(ADGRV1):c.11581-2A>G

Gene: ADGRV1 (adhesion G protein-coupled receptor V1; plus strand). Cytogenetic location: 5q14.3.
Variant type: single nucleotide variant.
Coding change: c.11581-2A>G on transcript NM_032119.4 (MANE Select); the canonical splice acceptor site of the intron before coding-DNA position 11581, A replaced by G.
Molecular consequence: splice acceptor variant.
Genome position (GRCh38, 1-based): chr5:90,756,452, A>G. VCF-style: chr5-90756452-A-G. GRCh37 (hg19) VCF-style: chr5-90052269-A-G.
Identifiers: ClinVar variation 963118 (VCV000963118.18), dbSNP rs1204470864, ClinGen allele CA360367781.
Genomic context (GRCh38, chr5:90,756,452, plus strand): 5'-TTCAATGCAAGTTAAATGTCTTAAAAAAAAATGAAACACCATCTTTTTCCCCCATCCCCC[A>G]GGATGACCTTCCTGAATTGGAGGAAGGATTTATTGTCACTATCACTGAGGTGAACCTGGT-3'